The following is an entry in ClinVar:

ClinVar aggregate classification (germline): Likely pathogenic (1 of 4 stars; one submission).

Submission:

GeneDx
Classification: Likely pathogenic. Last evaluated: 2018-05-11. Review status: criteria provided, single submitter. Criteria: GeneDx Variant Classification (06012015). Collection method: clinical testing. Allele origin: germline. Affected: yes.
Comment: The A309V variant in the TBL1XR1 gene has not been reported previously as a pathogenic variant, nor as a benign variant, to our knowledge. The A309V variant is not observed in large population cohorts (Lek et al., 2016). The A309V variant is a conservative amino acid substitution, which is not likely to impact secondary protein structure as these residues share similar properties. In-silico analyses, including protein predictors and evolutionary conservation, support a deleterious effect. We interpret A309V as a likely pathogenic variant.

NM_024665.7(TBL1XR1):c.926C>T (p.Ala309Val)

Genes: TBL1XR1 (TBL1X/Y related 1; minus strand), TBL1XR1-AS1 (TBL1XR1 antisense RNA 1; plus strand), LOC126806878 (CDK7 strongly-dependent group 2 enhancer GRCh37_chr3:176755168-176756367; plus strand). Cytogenetic location: 3q26.32.
Variant type: single nucleotide variant.
Coding change: c.926C>T on transcript NM_024665.7 (MANE Select); coding-DNA position 926, C replaced by T.
Protein change: p.Ala309Val; replaces alanine 309 with valine.
Molecular consequence: missense variant.
Genome position (GRCh38, 1-based): chr3:177,038,434, G>A on the plus strand (C>T on the coding strand, the complement: TBL1XR1 is on the minus strand). VCF-style: chr3-177038434-G-A. GRCh37 (hg19) VCF-style: chr3-176756222-G-A.
Other names: c.926C>T, p.Ala309Val (NM_001321193.3, NM_001321194.3, NM_001374327.1 and 2 more transcripts); c.665C>T, p.Ala222Val (NM_001321195.3, NM_001374330.1); short protein forms A309V, A222V.
Identifiers: ClinVar variation 546174 (VCV000546174.2), dbSNP rs1553810281, ClinGen allele CA355555507.
Genomic context (GRCh38, chr3:177,038,434, plus strand): 5'-ATATCTGTACTACAAGAAGCAAAGGTGTTGTTGCTCTGCCAATCAACATCCAATGCTGGT[G>A]CTGCAAAGGAACAAAGGTTAGATTTGCTTTTATTCCACATGTACTAAAATCCAAGAGTTT-3'
Protein context (NP_078941.2, residues 299-319): EAKQQFPFHS[Ala309Val]PALDVDWQSN